The following is an entry in ClinVar:

NM_001242896.3(DEPDC5):c.1948G>A (p.Asp650Asn)

Gene: DEPDC5 (DEP domain containing 5, GATOR1 subcomplex subunit; plus strand). Cytogenetic location: 22q12.3.
Variant type: single nucleotide variant.
Coding change: c.1948G>A on transcript NM_001242896.3 (MANE Select); coding-DNA position 1948, G replaced by A.
Protein change: p.Asp650Asn; replaces aspartic acid 650 with asparagine.
Molecular consequence: missense variant. On other transcripts: non-coding transcript variant (4), intron variant (3).
Genome position (GRCh38, 1-based): chr22:31,821,579, G>A. VCF-style: chr22-31821579-G-A. GRCh37 (hg19) VCF-style: chr22-32217565-G-A.
Other names: c.1948G>A, p.Asp650Asn (NM_001136029.4, NM_001363852.2, NM_001364318.2 and 3 more transcripts); c.1864G>A, p.Asp622Asn (NM_001369901.1, NM_001369902.1); c.1870+2354G>A (NM_001363854.2, NM_001242897.2, NM_001364319.2); short protein forms D622N, D650N.
Identifiers: ClinVar variation 1718657 (VCV001718657.5), dbSNP rs763484031, ClinGen allele CA411281978.
Genomic context (GRCh38, chr22:31,821,579, plus strand): 5'-ATCCAGATCCACCACCAGACCCGACAGAATATGGCGGAGCTACAAGGCAGCGGGCAGAGG[G>A]ATCCAACTCACTCCTCTGCAGAGCTGCTGGAGTTAGCATATCATGAAGCTGCTGGAAGGT-3'
Protein context (NP_001229825.1, residues 640-660): MAELQGSGQR[Asp650Asn]PTHSSAELLE

ClinVar aggregate classification (germline): Uncertain significance (1 of 4 stars; one submission).

Conditions:
Familial focal epilepsy with variable foci (FPEVF). Identifiers: Orphanet 98820, MedGen C1858477, MONDO:0020310.

Allele frequency attached by ClinVar (database versions not stated): TOPMed below 0.00001; gnomAD 0.00001.
gnomAD v4.1: 2 of 1,614,116 alleles (0.00012%); highest among the groups gnomAD compares: African/African-American, 0.0027%; no homozygotes.

Submission:

Labcorp Genetics (formerly Invitae), Labcorp
Classification: Uncertain significance for Familial focal epilepsy with variable foci. Last evaluated: 2022-10-18. Review status: criteria provided, single submitter. Criteria: Invitae Variant Classification Sherloc (09022015). Collection method: clinical testing. Allele origin: germline.
Comment: In summary, the available evidence is currently insufficient to determine the role of this variant in disease. Therefore, it has been classified as a Variant of Uncertain Significance. This sequence change replaces aspartic acid, which is acidic and polar, with asparagine, which is neutral and polar, at codon 650 of the DEPDC5 protein (p.Asp650Asn). This variant is present in population databases (no rsID available, gnomAD 0.01%). This variant has not been reported in the literature in individuals affected with DEPDC5-related conditions. Algorithms developed to predict the effect of missense changes on protein structure and function are either unavailable or do not agree on the potential impact of this missense change (SIFT: "Tolerated"; PolyPhen-2: "Not Available"; Align-GVGD: "Class C0").